The following is an entry in ClinVar:

ClinVar aggregate classification (germline): Likely benign (1 of 4 stars; one submission).

Submission:

CeGaT Center for Human Genetics Tuebingen
Classification: Likely benign. Last evaluated: 2023-01-01. Review status: criteria provided, single submitter. Criteria: CeGaT Center For Human Genetics Tuebingen Variant Classification Criteria Version 2. Collection method: clinical testing. Allele origin: germline. Affected: yes. Observed: 1 variant allele.
Comment: PPP2R5D: PM2:Supporting, BP4, BP7

NM_006245.4(PPP2R5D):c.1401T>C (p.Tyr467=)

Gene: PPP2R5D (protein phosphatase 2 regulatory subunit B'delta; plus strand). Cytogenetic location: 6p21.1.
Variant type: single nucleotide variant.
Coding change: c.1401T>C on transcript NM_006245.4 (MANE Select); coding-DNA position 1401, T replaced by C.
Protein change: p.Tyr467=; no amino-acid change (tyrosine 467 retained).
Molecular consequence: synonymous variant.
Genome position (GRCh38, 1-based): chr6:43,010,489, T>C. VCF-style: chr6-43010489-T-C. GRCh37 (hg19) VCF-style: chr6-42978227-T-C.
Other names: c.948T>C, p.Tyr316= (NM_001270476.2); c.1305T>C, p.Tyr435= (NM_180976.3); c.1083T>C, p.Tyr361= (NM_180977.3).
Identifiers: ClinVar variation 2656568 (VCV002656568.24), dbSNP rs2150283068, ClinGen allele CA450253073.
Genomic context (GRCh38, chr6:43,010,489, plus strand): 5'-CTCTGGCCTCCTACACCTCATCTTTCTTCTTGGTGGCAGGACAATCCATGGACTGATCTA[T>C]AATGCCCTGAAGTTGTTTATGGAAATGAATCAGAAGCTGTTTGATGACTGCACACAACAA-3'
Protein context (NP_006236.1, residues 457-477): HWNKTIHGLI[Tyr467=]NALKLFMEMN